The following is an entry in ClinVar:

NC_000001.10:g.(?_861322)_(3768971_?)del

Genes: ARHGEF16 (Rho guanine nucleotide exchange factor 16; plus strand), ACAP3 (ArfGAP with coiled-coil, ankyrin repeat and PH domains 3; minus strand), ACTRT2 (actin related protein T2; plus strand), AGRN (agrin; plus strand), ANKRD65 (ankyrin repeat domain 65; minus strand) and 71 more. Cytogenetic location: 1p36.33-36.32.
Variant type: Deletion.
Identifiers: ClinVar variation 1412663 (VCV001412663.9).

ClinVar aggregate classification (germline): Pathogenic. Review status: criteria provided, single submitter (1 of 4 stars). 6 submissions from 1 submitter: Pathogenic (1). 5 of the submissions do not count toward it. Last evaluated 2022-10-17.

Conditions:
Peroxisome biogenesis disorder, complementation group 7 (CG7). Also called: Peroxisome biogenesis disorder, complementation group B. Identifiers: MedGen C1864399.
Joubert syndrome 25 (JBTS25). Identifiers: Orphanet 475, MedGen C4084842, MONDO:0014770, OMIM 616781.
Mendelian susceptibility to mycobacterial diseases due to complete ISG15 deficiency. Also called: Immunodeficiency 38; IMMUNODEFICIENCY 38, MYCOBACTERIOSIS, AUTOSOMAL RECESSIVE; ISG15 DEFICIENCY, AUTOSOMAL RECESSIVE; Immunodeficiency 38 with basal ganglia calcification. Identifiers: Orphanet 319563, MedGen C4015293, MONDO:0014502, OMIM 616126.
Spondyloepimetaphyseal dysplasia with joint laxity (SEMDJL). Identifiers: MedGen C0432243, MONDO:0019675.
Ehlers-Danlos syndrome, spondylodysplastic type, 2 (EDSSPD2). Also called: Ehlers-Danlos syndrome, progeroid type, 2. Identifiers: Orphanet 536467, Orphanet 75496, MedGen C3809210, MONDO:0014139, OMIM 615349.
Combined immunodeficiency due to OX40 deficiency. Also called: OX40 DEFICIENCY; Immunodeficiency 16. Identifiers: Orphanet 431149, MedGen C3810053, MONDO:0014268, OMIM 615593.

Submissions (6):

Labcorp Genetics (formerly Invitae), Labcorp
Classification: Pathogenic for Peroxisome biogenesis disorder, complementation group 7. Last evaluated: 2022-10-17. Review status: criteria provided, single submitter. Criteria: Invitae Variant Classification Sherloc (09022015). Collection method: clinical testing. Allele origin: germline.
Comment: A gross deletion of the genomic region encompassing the full coding sequence of the PEX10 gene has been identified. Loss-of-function variants in PEX10 are known to be pathogenic (PMID: 9683594, 10862081, 21031596). The boundaries of this event are unknown as they extend beyond the assayed region for this gene and therefore may encompass additional genes. This variant has not been reported in the literature in individuals affected with PEX10-related conditions. For these reasons, this variant has been classified as Pathogenic.

Labcorp Genetics (formerly Invitae), Labcorp
Classification: Uncertain significance for Ehlers-Danlos syndrome, spondylodysplastic type, 2; Spondyloepimetaphyseal dysplasia with joint laxity. Last evaluated: 2022-10-17. Review status: flagged submission. Criteria: Invitae Variant Classification Sherloc (09022015). Collection method: clinical testing. Allele origin: germline. Not counted in ClinVar's aggregate classification.
Comment: A gross deletion of the genomic region encompassing the full coding sequence of the B3GALT6 gene has been identified. The current clinical and genetic evidence is not sufficient to establish whether loss-of-function variants in B3GALT6 cause disease. The boundaries of this event are unknown as they extend beyond the assayed region for this gene and therefore may encompass additional genes. Isolated whole-gene deletions of B3GALT6 have not been reported in the literature. However, larger copy number events that include this gene have been reported (PMID: 19492091). In summary, the available evidence is currently insufficient to determine the role of this variant in disease. Therefore, it has been classified as a Variant of Uncertain Significance.
ClinVar note: Reason: This record appears to be redundant with a more recent record from the same submitter.
ClinVar note: Notes: SCV002179189 appears to be redundant with SCV002244419.

Labcorp Genetics (formerly Invitae), Labcorp
Classification: Pathogenic for Joubert syndrome 25. Last evaluated: 2022-10-17. Review status: flagged submission. Criteria: Invitae Variant Classification Sherloc (09022015). Collection method: clinical testing. Allele origin: germline. Not counted in ClinVar's aggregate classification.
Comment: A gross deletion of the genomic region encompassing the full coding sequence of the CEP104 gene has been identified. Loss-of-function variants in CEP104 are known to be pathogenic (PMID: 26477546). The boundaries of this event are unknown as they extend beyond the assayed region for this gene and therefore may encompass additional genes. This variant has not been reported in the literature in individuals affected with CEP104-related conditions. For these reasons, this variant has been classified as Pathogenic.
ClinVar note: Reason: This record appears to be redundant with a more recent record from the same submitter.
ClinVar note: Notes: SCV002244562 appears to be redundant with SCV002244419.

Labcorp Genetics (formerly Invitae), Labcorp
Classification: Uncertain significance for Combined immunodeficiency due to OX40 deficiency. Last evaluated: 2022-09-19. Review status: flagged submission. Criteria: Invitae Variant Classification Sherloc (09022015). Collection method: clinical testing. Allele origin: germline. Not counted in ClinVar's aggregate classification.
Comment: A gross deletion of the genomic region encompassing the full coding sequence of the TNFRSF4 gene has been identified. The current clinical and genetic evidence is not sufficient to establish whether loss-of-function variants in TNFRSF4 cause disease. The boundaries of this event are unknown as they extend beyond the assayed region for this gene and therefore may encompass additional genes. This variant has not been reported in the literature in individuals affected with TNFRSF4-related conditions. In summary, the available evidence is currently insufficient to determine the role of this variant in disease. Therefore, it has been classified as a Variant of Uncertain Significance.
ClinVar note: Reason: This record appears to be redundant with a more recent record from the same submitter.
ClinVar note: Notes: SCV002207737 appears to be redundant with SCV002244419.

Labcorp Genetics (formerly Invitae), Labcorp
Classification: Uncertain significance for Mendelian susceptibility to mycobacterial diseases due to complete ISG15 deficiency. Last evaluated: 2022-09-19. Review status: flagged submission. Criteria: Invitae Variant Classification Sherloc (09022015). Collection method: clinical testing. Allele origin: germline. Not counted in ClinVar's aggregate classification.
Comment: A gross deletion of the genomic region encompassing the full coding sequence of the ISG15 gene has been identified. The current clinical and genetic evidence is not sufficient to establish whether loss-of-function variants in ISG15 cause disease. The boundaries of this event are unknown as they extend beyond the assayed region for this gene and therefore may encompass additional genes. This variant has not been reported in the literature in individuals affected with ISG15-related conditions. In summary, the available evidence is currently insufficient to determine the role of this variant in disease. Therefore, it has been classified as a Variant of Uncertain Significance.
ClinVar note: Reason: This record appears to be redundant with a more recent record from the same submitter.
ClinVar note: Notes: SCV002213876 appears to be redundant with SCV002244419.

Labcorp Genetics (formerly Invitae), Labcorp
Classification: Uncertain significance. Last evaluated: 2021-11-26. Review status: flagged submission. Criteria: Invitae Variant Classification Sherloc (09022015). Collection method: clinical testing. Allele origin: germline. Not counted in ClinVar's aggregate classification.
Comment: A gross deletion of the genomic region encompassing the full coding sequence of the GNB1 gene has been identified. The current clinical and genetic evidence is not sufficient to establish whether loss-of-function variants in GNB1 cause disease. The boundaries of this event are unknown as they extend beyond the assayed region for this gene and therefore may encompass additional genes. Isolated whole-gene deletions of GNB1 have not been reported in the literature. However, larger copy number events that include this gene have been reported (PMID: 31674007). In summary, the available evidence is currently insufficient to determine the role of this variant in disease. Therefore, it has been classified as a Variant of Uncertain Significance.
ClinVar note: Reason: This record appears to be redundant with a more recent record from the same submitter.
ClinVar note: Notes: SCV002275296 appears to be redundant with SCV002244419.

Literature cited by the submitters: PubMed 9683594; PubMed 10862081; PubMed 21031596; PubMed 19492091; PubMed 26477546; PubMed 31674007.